The following is an entry in ClinVar:

NM_020812.4(DOCK6):c.5452-2A>G

Gene: DOCK6 (dedicator of cytokinesis 6; minus strand). Cytogenetic location: 19p13.2.
Variant type: single nucleotide variant.
Coding change: c.5452-2A>G on transcript NM_020812.4 (MANE Select); the canonical splice acceptor site of the intron before coding-DNA position 5452, A replaced by G.
Molecular consequence: splice acceptor variant.
Genome position (GRCh38, 1-based): chr19:11,202,127, T>C on the plus strand (A>G on the coding strand, the complement: DOCK6 is on the minus strand). VCF-style: chr19-11202127-T-C. GRCh37 (hg19) VCF-style: chr19-11312803-T-C.
Other names: c.5557-2A>G (NM_001367830.1); c.5452-2A>G (NM_020812.3).
Identifiers: ClinVar variation 1908387 (VCV001908387.6), dbSNP rs748069737, ClinGen allele CA9206451.

ClinVar aggregate classification (germline): Likely pathogenic. Review status: criteria provided, multiple submitters, no conflicts (2 of 4 stars). 2 submissions from 2 submitters: Likely pathogenic (2). Last evaluated 2025-05-01.

Conditions:
DOCK6-related disorder. Also called: DOCK6-related condition.

Allele frequency attached by ClinVar (database versions not stated): gnomAD exomes below 0.00001; ExAC 0.00002.
gnomAD v4.1: 4 of 1,613,814 alleles (0.00025%); highest among the groups gnomAD compares: Admixed American, 0.0033%; no homozygotes.

Submissions (2):

Labcorp Genetics (formerly Invitae), Labcorp
Classification: Likely pathogenic. Last evaluated: 2025-05-01. Review status: criteria provided, single submitter. Criteria: Invitae Variant Classification Sherloc (09022015). Collection method: clinical testing. Allele origin: germline.
Comment: This sequence change affects an acceptor splice site in intron 43 of the DOCK6 gene. It is expected to disrupt RNA splicing. Variants that disrupt the donor or acceptor splice site typically lead to a loss of protein function (PMID: 16199547), and loss-of-function variants in DOCK6 are known to be pathogenic (PMID: 21820096, 25824905). This variant is present in population databases (rs748069737, gnomAD 0.006%). This variant has not been reported in the literature in individuals affected with DOCK6-related conditions. ClinVar contains an entry for this variant (Variation ID: 1908387). Algorithms developed to predict the effect of sequence changes on RNA splicing suggest that this variant may disrupt the consensus splice site. In summary, the currently available evidence indicates that the variant is pathogenic, but additional data are needed to prove that conclusively. Therefore, this variant has been classified as Likely Pathogenic.

PreventionGenetics, part of Exact Sciences
Classification: Likely pathogenic for DOCK6-related condition. Last evaluated: 2025-02-18. Review status: criteria provided, single submitter. Criteria: ACMG Guidelines, 2015. Collection method: clinical testing. Allele origin: germline.
Comment: The DOCK6 c.5452-2A>G variant is predicted to disrupt the AG splice acceptor site and interfere with normal splicing. To our knowledge, this variant has not been reported in the literature. This variant is reported in 0.0099% of alleles in individuals of Ashkenazi Jewish descent in gnomAD. Variants that disrupt the consensus splice acceptor site in DOCK6 are expected to be pathogenic. This variant is interpreted as likely pathogenic.

Literature cited by the submitters: PubMed 16199547 (cited by Labcorp Genetics (formerly Invitae), Labcorp); PubMed 21820096 (cited by Labcorp Genetics (formerly Invitae), Labcorp); PubMed 25824905 (cited by Labcorp Genetics (formerly Invitae), Labcorp).